The following is an entry in ClinVar:

NM_139057.4(ADAMTS17):c.783del (p.Met261fs)

Gene: ADAMTS17 (ADAM metallopeptidase with thrombospondin type 1 motif 17; minus strand). Cytogenetic location: 15q26.3.
Variant type: Deletion.
Coding change: c.783del on transcript NM_139057.4 (MANE Select); coding-DNA position 783, one base deleted (G; older notation c.783delG).
Protein change: p.Met261fs; shifts the reading frame from methionine 261.
Molecular consequence: frameshift variant.
Genome position (GRCh38, 1-based): chr15:100,281,235, C deleted on the plus strand (G on the coding strand, the reverse complement: ADAMTS17 is on the minus strand). VCF-style (leftmost placement, unchanged base first): chr15-100281234-TC-T. GRCh37 (hg19) VCF-style: chr15-100821439-TC-T.
Other names: short protein forms M261fs.
Identifiers: ClinVar variation 2130471 (VCV002130471.4), dbSNP rs2548847433, ClinGen allele CA2575846384.
Genomic context (GRCh38, chr15:100,281,234, plus strand): 5'-TCTCATCAAGGAGAAAACAGAGCCCCCCACATCAGGACCCCGGCTCCGGACTCACCATGT[TC>T]ATGACGGTCAGGATGAACCTCTGGGCGGCCTCGGCCCCGTGGTACTGCACCATGTCGGCG-3'

ClinVar aggregate classification (germline): Pathogenic (1 of 4 stars; one submission).

Submission:

Labcorp Genetics (formerly Invitae), Labcorp
Classification: Pathogenic. Last evaluated: 2022-12-19. Review status: criteria provided, single submitter. Criteria: Invitae Variant Classification Sherloc (09022015). Collection method: clinical testing. Allele origin: germline.
Comment: This variant has not been reported in the literature in individuals affected with ADAMTS17-related conditions. For these reasons, this variant has been classified as Pathogenic. This variant is not present in population databases (gnomAD no frequency). This sequence change creates a premature translational stop signal (p.Met261Ilefs*21) in the ADAMTS17 gene. It is expected to result in an absent or disrupted protein product. Loss-of-function variants in ADAMTS17 are known to be pathogenic (PMID: 19836009, 24940034).

Literature cited by the submitters: PubMed 19836009; PubMed 24940034.